The following is an entry in ClinVar:

ClinVar aggregate classification (germline): Pathogenic. Review status: criteria provided, multiple submitters, no conflicts (2 of 4 stars). 2 submissions from 2 submitters: Pathogenic (2). Last evaluated 2024-10-01.

Conditions:
Intellectual disability, X-linked 102 (MRXSSB). Also called: Intellectual developmental disorder, X-linked syndromic, Snijders Blok type. Identifiers: Orphanet 457260, MedGen C5393299, MONDO:0010497, OMIM 300958.

Submissions (2):

CeGaT Center for Human Genetics Tuebingen
Classification: Pathogenic. Last evaluated: 2024-10-01. Review status: criteria provided, single submitter. Criteria: CeGaT Center For Human Genetics Tuebingen Variant Classification Criteria Version 2. Collection method: clinical testing. Allele origin: germline. Affected: yes. Observed: 1 variant allele.
Comment: DDX3X: PVS1, PM2, PM6, PS4:Moderate

Equipe Genetique des Anomalies du Developpement, Université de Bourgogne
Classification: Pathogenic for Intellectual disability, X-linked 102. Last evaluated: 2021-10-28. Review status: criteria provided, single submitter. Criteria: ACMG Guidelines, 2015. Collection method: clinical testing. Allele origin: de novo. Affected: yes.

NM_001356.5(DDX3X):c.71C>A (p.Ser24Ter)

Gene: DDX3X (DEAD-box helicase 3 X-linked; plus strand). Cytogenetic location: Xp11.4.
Variant type: single nucleotide variant.
Coding change: c.71C>A on transcript NM_001356.5 (MANE Select); coding-DNA position 71, C replaced by A.
Protein change: p.Ser24Ter; replaces serine 24 with a stop codon.
Molecular consequence: nonsense. On other transcripts: 5 prime UTR variant (1), non-coding transcript variant (2).
Genome position (GRCh38, 1-based): chrX:41,337,433, C>A. VCF-style: chrX-41337433-C-A. GRCh37 (hg19) VCF-style: chrX-41196686-C-A.
Other names: c.71C>A, p.Ser24Ter (NM_001193416.3, NM_001193417.3); c.-1833C>A (NM_001363819.1); short protein forms S24*.
Identifiers: ClinVar variation 1302008 (VCV001302008.15), dbSNP rs2147340483, ClinGen allele CA412762413.
Genomic context (GRCh38, chrX:41,337,433, plus strand): 5'-GCACATGGGGTGCTAACCATCTCACTCTCTTCTAGTTTGCTGGCCTAGACCTGAACTCTT[C>A]AGATAATCAGAGTGGAGGAAGTACAGCCAGCAGTAAGTACAACATCTTGTGGGTTTATTG-3'